The following is an entry in ClinVar:

ClinVar aggregate classification (germline): Uncertain significance (1 of 4 stars; one submission).

Allele frequency attached by ClinVar (database versions not stated): gnomAD exomes below 0.00001.
gnomAD v4.1: 2 of 1,613,682 alleles (0.00012%); highest among the groups gnomAD compares: Non-Finnish European, 0.00017%; no homozygotes.

Submission:

Labcorp Genetics (formerly Invitae), Labcorp
Classification: Uncertain significance. Last evaluated: 2024-10-17. Review status: criteria provided, single submitter. Criteria: Invitae Variant Classification Sherloc (09022015). Collection method: clinical testing. Allele origin: germline.
Comment: This sequence change replaces glycine, which is neutral and non-polar, with serine, which is neutral and polar, at codon 211 of the DLL4 protein (p.Gly211Ser). This variant is not present in population databases (gnomAD no frequency). This variant has not been reported in the literature in individuals affected with DLL4-related conditions. ClinVar contains an entry for this variant (Variation ID: 1493393). Invitae Evidence Modeling of protein sequence and biophysical properties (such as structural, functional, and spatial information, amino acid conservation, physicochemical variation, residue mobility, and thermodynamic stability) indicates that this missense variant is expected to disrupt DLL4 protein function with a positive predictive value of 80%. In summary, the available evidence is currently insufficient to determine the role of this variant in disease. Therefore, it has been classified as a Variant of Uncertain Significance.

NM_019074.4(DLL4):c.631G>A (p.Gly211Ser)

Gene: DLL4 (delta like canonical Notch ligand 4; plus strand). Cytogenetic location: 15q15.1.
Variant type: single nucleotide variant.
Coding change: c.631G>A on transcript NM_019074.4 (MANE Select); coding-DNA position 631, G replaced by A.
Protein change: p.Gly211Ser; replaces glycine 211 with serine.
Molecular consequence: missense variant.
Genome position (GRCh38, 1-based): chr15:40,931,739, G>A. VCF-style: chr15-40931739-G-A. GRCh37 (hg19) VCF-style: chr15-41223937-G-A.
Other names: short protein forms G211S.
Identifiers: ClinVar variation 1493393 (VCV001493393.8), dbSNP rs2140369266, ClinGen allele CA391807179.